The following is an entry in ClinVar:

ClinVar aggregate classification (germline): Benign (1 of 4 stars; one submission).

Conditions:
Charcot-Marie-Tooth disease type 1D. Also called: CHARCOT-MARIE-TOOTH NEUROPATHY, TYPE 1D; HEREDITARY MOTOR AND SENSORY NEUROPATHY 1D; HMSN ID; Charcot-Marie-Tooth disease, demyelinating, type 1d. Identifiers: Orphanet 101084, MedGen C1843247, MONDO:0011890, OMIM 607678.

Allele frequency attached by ClinVar (database versions not stated): 1000 Genomes Project 30x 0.00859; 1000 Genomes Project 0.00879; gnomAD 0.00979; TOPMed 0.01035; gnomAD exomes 0.00070.
gnomAD v4.1: 1,356 of 161,322 alleles (0.84%); highest among the groups gnomAD compares: African/African-American, 3.1%; 16 homozygotes.

Submission:

Illumina Laboratory Services, Illumina
Classification: Benign for Charcot-Marie-Tooth disease type 1D. Last evaluated: 2018-01-12. Review status: criteria provided, single submitter. Criteria: ICSL Variant Classification Criteria 13 December 2019. Collection method: clinical testing. Allele origin: germline.
Comment: This variant was observed in the ICSL laboratory as part of a predisposition screen in an ostensibly healthy population. It had not been previously curated by ICSL or reported in the Human Gene Mutation Database (HGMD: prior to June 1st, 2018), and was therefore a candidate for classification through an automated scoring system. Utilizing variant allele frequency, disease prevalence and penetrance estimates, and inheritance mode, an automated score was calculated to assess if this variant is too frequent to cause the disease. Based on the score and internal cut-off values, a variant classified as benign is not then subjected to further curation. The score for this variant resulted in a classification of benign for this disease.

NM_000399.5(EGR2):c.*429G>A

Gene: EGR2 (early growth response 2; minus strand). Cytogenetic location: 10q21.3.
Variant type: single nucleotide variant.
Coding change: c.*429G>A on transcript NM_000399.5 (MANE Select); 429 bases downstream of the stop codon, G replaced by A.
Molecular consequence: 3 prime UTR variant.
Genome position (GRCh38, 1-based): chr10:62,812,778, C>T on the plus strand (G>A on the coding strand, the complement: EGR2 is on the minus strand). VCF-style: chr10-62812778-C-T. GRCh37 (hg19) VCF-style: chr10-64572538-C-T.
Other names: c.*429G>A (NM_001136177.3, NM_001136178.2, NM_001136179.3 and 1 more transcripts).
Identifiers: ClinVar variation 300271 (VCV000300271.5), dbSNP rs114237833, ClinGen allele CA10636008.